The following is an entry in ClinVar:

ClinVar aggregate classification (germline): Pathogenic (1 of 4 stars; one submission).

Conditions:
Intellectual developmental disorder with autism and macrocephaly. Also called: Autism, susceptibility to, 18; CHD8-Related Neurodevelopmental Disorder with Overgrowth. Identifiers: Orphanet 642675, MedGen C3554373, MONDO:0014017, OMIM 615032.

Submission:

Centre for Human Genetics, University of Kinshasa
Classification: Pathogenic for Intellectual developmental disorder with autism and macrocephaly. Review status: criteria provided, single submitter. Criteria: ACMG Guidelines, 2015. Collection method: research. Allele origin: de novo. Inheritance: Autosomal dominant inheritance. Affected: yes.
Comment: This variants is in CHD8 and associated with IDD with autism and macrocephaly. The variant occurred de novo, with confirmed parentage. The variant is predicted to cause stop gain, in a gene in which LoF is a known mechanism of the condition. The variant is absent from gnomAD and ClinVar. We classified this variant as Pathogenic based on the following items PM2, PVS1, PS2. The posterior probability score of pathogenicity of 1.000

Literature cited by the submitters: PubMed 29300386.

NM_001170629.2(CHD8):c.2478G>A (p.Trp826Ter)

Gene: CHD8 (chromodomain helicase DNA binding protein 8; minus strand). Cytogenetic location: 14q11.2.
Variant type: single nucleotide variant.
Coding change: c.2478G>A on transcript NM_001170629.2 (MANE Select); coding-DNA position 2478, G replaced by A.
Protein change: p.Trp826Ter; replaces tryptophan 826 with a stop codon.
Molecular consequence: nonsense.
Genome position (GRCh38, 1-based): chr14:21,408,712, C>T on the plus strand (G>A on the coding strand, the complement: CHD8 is on the minus strand). VCF-style: chr14-21408712-C-T. GRCh37 (hg19) VCF-style: chr14-21876871-C-T.
Other names: c.1641G>A, p.Trp547Ter (NM_020920.4); short protein forms W547*, W826*.
Identifiers: ClinVar variation 4077419 (VCV004077419.1).